The following is an entry in ClinVar:

NM_006514.4(SCN10A):c.682G>A (p.Val228Met)

Gene: SCN10A (sodium voltage-gated channel alpha subunit 10; minus strand). Cytogenetic location: 3p22.2.
Variant type: single nucleotide variant.
Coding change: c.682G>A on transcript NM_006514.4 (MANE Select); coding-DNA position 682, G replaced by A.
Protein change: p.Val228Met; replaces valine 228 with methionine.
Molecular consequence: missense variant.
Genome position (GRCh38, 1-based): chr3:38,763,514, C>T on the plus strand (G>A on the coding strand, the complement: SCN10A is on the minus strand). VCF-style: chr3-38763514-C-T. GRCh37 (hg19) VCF-style: chr3-38805005-C-T.
Other names: c.682G>A (NM_006514.2); c.682G>A, p.Val228Met (NM_001293306.2, NM_001293307.2); short protein forms V228M.
Identifiers: ClinVar variation 532114 (VCV000532114.17), dbSNP rs141368548, ClinGen allele CA2321119.

ClinVar aggregate classification (germline): Uncertain significance. Review status: criteria provided, multiple submitters, no conflicts (2 of 4 stars). 4 submissions from 4 submitters: Uncertain significance (4). Last evaluated 2026-01-01.

Conditions:
Brugada syndrome. Also called: Sudden unexpected nocturnal death syndrome; Sudden Unexplained Death Syndrome; Sudden Unexplained Nocturnal Death Syndrome (SUNDS); Sudden unexplained nocturnal death syndrome. Identifiers: Orphanet 130, MedGen C1142166, MONDO:0015263.
Cardiovascular phenotype. Identifiers: MedGen CN230736.

Allele frequency attached by ClinVar (database versions not stated): ExAC 0.00002; gnomAD 0.00002; TOPMed 0.00002; ESP Exome Variant Server 0.00008.

Submissions (4):

CeGaT Center for Human Genetics Tuebingen
Classification: Uncertain significance. Last evaluated: 2026-01-01. Review status: criteria provided, single submitter. Criteria: CeGaT Center For Human Genetics Tuebingen Variant Classification Criteria Version 2. Collection method: clinical testing. Allele origin: germline. Affected: yes. Observed: 1 variant allele.

Ambry Genetics
Classification: Uncertain significance for Cardiovascular phenotype. Last evaluated: 2025-07-16. Review status: criteria provided, single submitter. Criteria: Ambry Variant Classification Scheme 2023. Collection method: clinical testing. Allele origin: germline.
Comment: The c.682G>A (p.V228M) alteration is located in exon 5 (coding exon 5) of the SCN10A gene. This alteration results from a G to A substitution at nucleotide position 682, causing the valine (V) at amino acid position 228 to be replaced by a methionine (M). The alteration is rare in population databases: Based on data from the Genome Aggregation Database (gnomAD), the c.682G>A alteration was observed in 0.002% (6/282,754) of total alleles studied. The altered amino acid is conserved throughout evolution: The p.V228 amino acid is conserved in available vertebrate species. The alteration is predicted deleterious by in silico models: The p.V228M alteration is predicted to be probably damaging by Polyphen and deleterious by SIFT in silico analyses. Based on insufficient or conflicting evidence, the clinical significance of this alteration remains unclear.

Labcorp Genetics (formerly Invitae), Labcorp
Classification: Uncertain significance for Brugada syndrome. Last evaluated: 2025-07-09. Review status: criteria provided, single submitter. Criteria: Invitae Variant Classification Sherloc (09022015). Collection method: clinical testing. Allele origin: germline.
Comment: This sequence change replaces valine, which is neutral and non-polar, with methionine, which is neutral and non-polar, at codon 228 of the SCN10A protein (p.Val228Met). The frequency data for this variant in the population databases is considered unreliable, as metrics indicate poor data quality at this position in the gnomAD database. This variant has not been reported in the literature in individuals affected with SCN10A-related conditions. ClinVar contains an entry for this variant (Variation ID: 532114). Invitae Evidence Modeling of protein sequence and biophysical properties (such as structural, functional, and spatial information, amino acid conservation, physicochemical variation, residue mobility, and thermodynamic stability) indicates that this missense variant is not expected to disrupt SCN10A protein function with a negative predictive value of 80%. In summary, the available evidence is currently insufficient to determine the role of this variant in disease. Therefore, it has been classified as a Variant of Uncertain Significance.

GeneDx
Classification: Uncertain significance. Last evaluated: 2025-01-13. Review status: criteria provided, single submitter. Criteria: GeneDx Variant Classification Process June 2021. Collection method: clinical testing. Allele origin: germline. Affected: yes.
Comment: Not observed at significant frequency in large population cohorts (gnomAD); In silico analysis supports that this missense variant has a deleterious effect on protein structure/function; Has not been previously published as pathogenic or benign to our knowledge